The following is an entry in ClinVar:

ClinVar aggregate classification (germline): Likely pathogenic (1 of 4 stars; one submission).

Submission:

GeneDx
Classification: Likely pathogenic. Last evaluated: 2026-03-13. Review status: criteria provided, single submitter. Criteria: GeneDx Variant Classification Process June 2021. Collection method: clinical testing. Allele origin: germline.
Comment: Identified in a patient with branchio-oto-renal syndrome in published literature (PMID: 29500469); Not observed at significant frequency in large population cohorts (gnomAD); In silico analysis supports that this missense variant has a deleterious effect on protein structure/function; This variant is associated with the following publications: (PMID: 31595699, CHEN2021[abstract], 31427586, 29500469)

NM_005982.4(SIX1):c.519G>C (p.Lys173Asn)

Genes: MIR9718 (microRNA 9718; plus strand), SIX1 (SIX homeobox 1; minus strand). Cytogenetic location: 14q23.1.
Variant type: single nucleotide variant.
Coding change: c.519G>C on transcript NM_005982.4 (MANE Select); coding-DNA position 519, G replaced by C.
Protein change: p.Lys173Asn; replaces lysine 173 with asparagine.
Molecular consequence: missense variant. On other transcripts: non-coding transcript variant (1), intron variant (1).
Genome position (GRCh38, 1-based): chr14:60,648,671, C>G on the plus strand (G>C on the coding strand, the complement: SIX1 is on the minus strand). VCF-style: chr14-60648671-C-G. GRCh37 (hg19) VCF-style: chr14-61115389-C-G.
Other names: c.501+18G>C (NM_001425142.1); short protein forms K173N.
Identifiers: ClinVar variation 4891407 (VCV004891407.1).